The following is an entry in ClinVar:

ClinVar aggregate classification (germline): Uncertain significance (1 of 4 stars; one submission).

Allele frequency attached by ClinVar (database versions not stated): gnomAD exomes below 0.00001 and 0.00001; ExAC 0.00001.
gnomAD v4.1: 20 of 1,613,620 alleles (0.0012%); highest among the groups gnomAD compares: Non-Finnish European, 0.0017%; no homozygotes.

Submission:

Labcorp Genetics (formerly Invitae), Labcorp
Classification: Uncertain significance. Last evaluated: 2020-11-05. Review status: criteria provided, single submitter. Criteria: Invitae Variant Classification Sherloc (09022015). Collection method: clinical testing. Allele origin: germline.
Comment: This sequence change replaces valine with methionine at codon 87 of the INPPL1 protein (p.Val87Met). The valine residue is moderately conserved and there is a small physicochemical difference between valine and methionine. This variant is present in population databases (rs759591470, ExAC 0.002%). This variant has not been reported in the literature in individuals with INPPL1-related conditions. Algorithms developed to predict the effect of missense changes on protein structure and function are either unavailable or do not agree on the potential impact of this missense change (SIFT: "Deleterious"; PolyPhen-2: "Possibly Damaging"; Align-GVGD: "Class C0"). In summary, the available evidence is currently insufficient to determine the role of this variant in disease. Therefore, it has been classified as a Variant of Uncertain Significance.

NM_001567.4(INPPL1):c.259G>A (p.Val87Met)

Gene: INPPL1 (inositol polyphosphate phosphatase like 1; plus strand). Cytogenetic location: 11q13.4.
Variant type: single nucleotide variant.
Coding change: c.259G>A on transcript NM_001567.4 (MANE Select); coding-DNA position 259, G replaced by A.
Protein change: p.Val87Met; replaces valine 87 with methionine.
Molecular consequence: missense variant.
Genome position (GRCh38, 1-based): chr11:72,228,360, G>A. VCF-style: chr11-72228360-G-A. GRCh37 (hg19) VCF-style: chr11-71939404-G-A.
Other names: short protein forms V87M.
Identifiers: ClinVar variation 1481849 (VCV001481849.8), dbSNP rs759591470, ClinGen allele CA6169604.
Genomic context (GRCh38, chr11:72,228,360, plus strand): 5'-TTGGGGACCTGCTGGCTGACCCTTCCTCCCACCCTTGCTGGCCCACAGACCTCGCAGGGT[G>A]TGCCTGTGCGCCGCTTCCAGACCCTGGGTGAGCTCATCGGCCTGTACGCCCAGCCCAACC-3'
Protein context (NP_001558.3, residues 77-97): DFLAVQTSQG[Val87Met]PVRRFQTLGE